The following is an entry in ClinVar:

NM_003002.4(SDHD):c.-21C>T

Genes: SDHD (succinate dehydrogenase complex subunit D; plus strand), LOC126861339 (BRD4-independent group 4 enhancer GRCh37_chr11:111957035-111958234; plus strand). Cytogenetic location: 11q23.1.
Variant type: single nucleotide variant.
Coding change: c.-21C>T on transcript NM_003002.4 (MANE Select); 21 bases upstream of the start codon, C replaced by T.
Molecular consequence: 5 prime UTR variant. On other transcripts: non-coding transcript variant (1).
Genome position (GRCh38, 1-based): chr11:112,086,887, C>T. VCF-style: chr11-112086887-C-T. GRCh37 (hg19) VCF-style: chr11-111957611-C-T.
Other names: c.-21C>T (NM_001276503.2, NM_001276504.2, NM_001276506.2).
Identifiers: ClinVar variation 4683107 (VCV004683107.1).
Genomic context (GRCh38, chr11:112,086,887, plus strand): 5'-GTTTTCTTTCGTCGTCGTGGGTGGGAATTGTCGCCTAAGTGGTTCCGGGTTGGTGGATGA[C>T]CTTGAGCCCTCAGGAACGAGATGGCGGTTCTCTGGAGGCTGAGTGCCGTTTGCGGTGCCC-3'

ClinVar aggregate classification (germline): Uncertain significance (1 of 4 stars; one submission).

Conditions:
Pheochromocytoma/paraganglioma syndrome 1. Also called: PARAGANGLIOMATA; Paragangliomas 1; Glomus tumors familial 1; Paraganglioma - glomus jugulare; PARAGANGLIOMAS, FAMILIAL NONCHROMAFFIN, 1; PGL 1. Identifiers: Orphanet 29072, MedGen C3494181, MONDO:0008192, OMIM 168000.

gnomAD v4.1: 26 of 1,614,032 alleles (0.0016%); highest among the groups gnomAD compares: Non-Finnish European, 0.0022%; no homozygotes.

Submission:

Institute of Human Genetics, University of Leipzig Medical Center
Classification: Uncertain significance for Pheochromocytoma/paraganglioma syndrome 1. Last evaluated: 2025-12-18. Review status: criteria provided, single submitter. Criteria: ACMG Guidelines, 2015. Collection method: clinical testing. Allele origin: unknown. Inheritance: Autosomal dominant inheritance. Affected: yes.
Comment: Criteria applied: PM2_SUP,PP3